The following is an entry in ClinVar:

NM_000170.3(GLDC):c.446G>A (p.Arg149Gln)

Gene: GLDC (glycine decarboxylase; minus strand). Cytogenetic location: 9p24.1.
Variant type: single nucleotide variant.
Coding change: c.446G>A on transcript NM_000170.3 (MANE Select); coding-DNA position 446, G replaced by A.
Protein change: p.Arg149Gln; replaces arginine 149 with glutamine.
Molecular consequence: missense variant.
Genome position (GRCh38, 1-based): chr9:6,620,208, C>T on the plus strand (G>A on the coding strand, the complement: GLDC is on the minus strand). VCF-style: chr9-6620208-C-T. GRCh37 (hg19) VCF-style: chr9-6620208-C-T.
Other names: short protein forms R149Q.
Identifiers: ClinVar variation 1306963 (VCV001306963.4), dbSNP rs538431715, ClinGen allele CA4981150.

ClinVar aggregate classification (germline): Uncertain significance. Review status: criteria provided, multiple submitters, no conflicts (2 of 4 stars). 2 submissions from 2 submitters: Uncertain significance (2). Last evaluated 2025-05-18.

Conditions:
Glycine encephalopathy. Also called: Non-ketotic hyperglycinemia; Nonketotic hyperglycinemia. Identifiers: Orphanet 407, MedGen C0751748, MONDO:0011612, HP:0008288.

Allele frequency attached by ClinVar (database versions not stated): gnomAD 0.00001 and 0.00002; TOPMed 0.00001; gnomAD exomes 0.00003 and 0.00006; ExAC 0.00005; 1000 Genomes Project 0.00040; 1000 Genomes Project 30x 0.00047.

Submissions (2):

Labcorp Genetics (formerly Invitae), Labcorp
Classification: Uncertain significance for Glycine encephalopathy. Last evaluated: 2025-05-18. Review status: criteria provided, single submitter. Criteria: Invitae Variant Classification Sherloc (09022015). Collection method: clinical testing. Allele origin: germline.
Comment: This sequence change replaces arginine, which is basic and polar, with glutamine, which is neutral and polar, at codon 149 of the GLDC protein (p.Arg149Gln). This variant is present in population databases (rs538431715, gnomAD 0.05%). This variant has not been reported in the literature in individuals affected with GLDC-related conditions. ClinVar contains an entry for this variant (Variation ID: 1306963). Invitae Evidence Modeling of protein sequence and biophysical properties (such as structural, functional, and spatial information, amino acid conservation, physicochemical variation, residue mobility, and thermodynamic stability) indicates that this missense variant is expected to disrupt GLDC protein function with a positive predictive value of 95%. In summary, the available evidence is currently insufficient to determine the role of this variant in disease. Therefore, it has been classified as a Variant of Uncertain Significance.

GeneDx
Classification: Uncertain significance. Last evaluated: 2019-07-11. Review status: criteria provided, single submitter. Criteria: GeneDx Variant Classification Process June 2021. Collection method: clinical testing. Allele origin: germline. Affected: yes.
Comment: In silico analysis, which includes protein predictors and evolutionary conservation, supports a deleterious effect; Has not been previously published as pathogenic or benign to our knowledge